The following is an entry in ClinVar:

ClinVar aggregate classification (germline): Benign (0 of 4 stars; one submission).

Conditions:
MYOF-related disorder. Also called: MYOF-related condition.

Allele frequency attached by ClinVar (database versions not stated): 1000 Genomes Project 0.02796; 1000 Genomes Project 30x 0.02951; ExAC 0.04293; gnomAD 0.04578; TOPMed 0.04757; ESP Exome Variant Server 0.04974; gnomAD exomes 0.05507.
gnomAD v4.1: 87,193 of 1,610,274 alleles (5.4%); highest among the groups gnomAD compares: Middle Eastern, 8.9%; 2,823 homozygotes.

Submission:

PreventionGenetics, part of Exact Sciences
Classification: Benign for MYOF-related condition. Last evaluated: 2020-01-24. Review status: no assertion criteria provided. Collection method: clinical testing. Allele origin: germline.
Comment: This variant is classified as benign based on ACMG/AMP sequence variant interpretation guidelines (Richards et al. 2015 PMID: 25741868, with internal and published modifications).

NM_013451.4(MYOF):c.5409C>T (p.Asp1803=)

Gene: MYOF (myoferlin; minus strand). Cytogenetic location: 10q23.33.
Variant type: single nucleotide variant.
Coding change: c.5409C>T on transcript NM_013451.4 (MANE Select); coding-DNA position 5409, C replaced by T.
Protein change: p.Asp1803=; no amino-acid change (aspartic acid 1803 retained).
Molecular consequence: synonymous variant.
Genome position (GRCh38, 1-based): chr10:93,323,125, G>A on the plus strand (C>T on the coding strand, the complement: MYOF is on the minus strand). VCF-style: chr10-93323125-G-A. GRCh37 (hg19) VCF-style: chr10-95082882-G-A.
Other names: c.5370C>T, p.Asp1790= (NM_133337.3).
Identifiers: ClinVar variation 3056154 (VCV003056154.2), dbSNP rs34048939, ClinGen allele CA5606705.